The following is an entry in ClinVar:

NM_001291867.2(NHS):c.1180C>T (p.Arg394Ter)

Gene: NHS (NHS actin remodeling regulator; plus strand). Cytogenetic location: Xp22.13.
Variant type: single nucleotide variant.
Coding change: c.1180C>T on transcript NM_001291867.2 (MANE Select); coding-DNA position 1180, C replaced by T.
Protein change: p.Arg394Ter; replaces arginine 394 with a stop codon.
Molecular consequence: nonsense.
Genome position (GRCh38, 1-based): chrX:17,724,370, C>T. VCF-style: chrX-17724370-C-T. GRCh37 (hg19) VCF-style: chrX-17742490-C-T.
Other names: R378*; c.649C>T, p.Arg217Ter (NM_001136024.4); c.586C>T, p.Arg196Ter (NM_001291868.2); c.1117C>T, p.Arg373Ter (NM_198270.4); short protein forms R217*, R373*, R196*, R394*.
Identifiers: ClinVar variation 11025 (VCV000011025.9), dbSNP rs132630322, ClinGen allele CA121306.

ClinVar aggregate classification (germline): Pathogenic. Review status: criteria provided, multiple submitters, no conflicts (2 of 4 stars). 5 submissions from 5 submitters: Pathogenic (4). 1 of the submissions does not count toward it. Last evaluated 2024-05-09.

Conditions:
Nance-Horan syndrome (NHS). Identifiers: Orphanet 627, MedGen C0796085, MONDO:0010545, OMIM 302350.
Cataract 40 (CTRCT40). Also called: Cataract 40, X-linked; CATARACT, CONGENITAL TOTAL, WITH POSTERIOR SUTURAL OPACITIES IN HETEROZYGOTES; CATARACT 40 WITH OR WITHOUT MICROCORNEA. Identifiers: Orphanet 91492, MedGen C4049004, MONDO:0010544, OMIM 302200.

Submissions (5):

Miami Human Genetics, University Of Miami Miller School Of Medicine
Classification: Pathogenic for Cataract 40. Last evaluated: 2024-05-09. Review status: criteria provided, single submitter. Criteria: ACMG Guidelines, 2015. Collection method: research. Allele origin: maternal. Inheritance: X-linked recessive inheritance. Affected: yes. Observed: 1 hemizygote.

Labcorp Genetics (formerly Invitae), Labcorp
Classification: Pathogenic for Nance-Horan syndrome. Last evaluated: 2018-07-03. Review status: criteria provided, single submitter. Criteria: Invitae Variant Classification Sherloc (09022015). Collection method: clinical testing. Allele origin: germline.
Comment: This sequence change creates a premature translational stop signal (p.Arg373*) in the NHS gene. It is expected to result in an absent or disrupted protein product. This variant is not present in population databases (ExAC no frequency). This variant has been reported in the literature in individuals affected with Nance-Horan syndrome (PMID: 14564667, 18949062, 24968223). ClinVar contains an entry for this variant (Variation ID: 11025). Loss-of-function variants in NHS are known to be pathogenic (PMID: 14564667, 19414485). For these reasons, this variant has been classified as Pathogenic.

Equipe Genetique des Anomalies du Developpement, Université de Bourgogne
Classification: Pathogenic for Nance-Horan syndrome. Last evaluated: 2016-01-04. Review status: criteria provided, single submitter. Criteria: ACMG Guidelines, 2015. Collection method: clinical testing. Allele origin: inherited. Affected: yes.

Eurofins Ntd Llc (ga)
Classification: Pathogenic. Last evaluated: 2013-07-26. Review status: criteria provided, single submitter. Criteria: EGL Classification Definitions 2015. Collection method: clinical testing. Allele origin: germline. Observed: 1 variant allele, 1 heterozygote.

OMIM
Classification: Pathogenic for NANCE-HORAN SYNDROME. Last evaluated: 2006-09-01. Review status: no assertion criteria provided. Collection method: literature only. Allele origin: germline. Not counted in ClinVar's aggregate classification.

Literature cited by the submitters: PubMed 14564667 (cited by Miami Human Genetics, University Of Miami Miller School Of Medicine and Labcorp Genetics (formerly Invitae), Labcorp); PubMed 24968223 (cited by Labcorp Genetics (formerly Invitae), Labcorp); PubMed 18949062 (cited by Labcorp Genetics (formerly Invitae), Labcorp); Burdon, K. P., McKay, J. D., Sale, M. M., Russell-Eggitt, I. M., Mackey, D. A., Wirth, M. G., Elder, J. E., Nicoll, A., Clarke, M. P., FitzGerald, L. M., Stankovich, J. M., Shaw, M. A., and 9 others Mutations in a novel gene, NHS, cause the pleiotropic effects of Nance-Horan syndrome, including severe congenital cataract, dental anomalies, and mental retardation. Am. J. Hum. Genet. 73: 1120-1130, 2003. (cited by OMIM); PubMed 16736028 (cited by OMIM).